The following is an entry in ClinVar:

ClinVar aggregate classification (germline): Uncertain significance. Review status: criteria provided, multiple submitters, no conflicts (2 of 4 stars). 3 submissions from 3 submitters: Uncertain significance (3). Last evaluated 2024-07-12.

Conditions:
Epidermolysis bullosa simplex 5B, with muscular dystrophy (EBS5B). Also called: EPIDERMOLYSIS BULLOSA SIMPLEX AND LIMB-GIRDLE MUSCULAR DYSTROPHY; Epidermolysis bullosa simplex with muscular dystrophy. Identifiers: Orphanet 257, MedGen C2931072, MONDO:0009181, OMIM 226670.
Epidermolysis bullosa simplex, Ogna type (EBS5A). Also called: Pidermolysis bullosa simplex 5A, Ogna type; EPIDERMOLYSIS BULLOSA SIMPLEX 5A, OGNA TYPE. Identifiers: Orphanet 79401, MedGen C0432317, MONDO:0007555, OMIM 131950.
Autosomal recessive limb-girdle muscular dystrophy type 2Q (LGMDR17). Also called: MUSCULAR DYSTROPHY, LIMB-GIRDLE, AUTOSOMAL RECESSIVE 17. Identifiers: Orphanet 254361, MedGen C3150989, MONDO:0013390, OMIM 613723.
Epidermolysis bullosa simplex 5C, with pyloric atresia (EBS5C). Also called: Epidermolysis bullosa simplex with pyloric atresia; PLEC1-Related Epidermolysis Bullosa with Pyloric Atresia; PLEC-Related Epidermolysis Bullosa with Pyloric Atresia. Identifiers: Orphanet 158684, MedGen C2677349, MONDO:0012807, OMIM 612138.
Epidermolysis bullosa simplex with nail dystrophy (EBS5D). Identifiers: MedGen C4225309, MONDO:0014661, OMIM 616487.

Allele frequency attached by ClinVar (database versions not stated): gnomAD 0.00002 and 0.00003; ExAC 0.00004; gnomAD exomes 0.00005 and 0.00006; TOPMed 0.00005; ESP Exome Variant Server 0.00008; 1000 Genomes Project 30x 0.00016; 1000 Genomes Project 0.00020.
gnomAD v4.1: 75 of 1,610,242 alleles (0.0047%); highest among the groups gnomAD compares: East Asian, 0.11%; no homozygotes.

Submissions (3):

Labcorp Genetics (formerly Invitae), Labcorp
Classification: Uncertain significance for Autosomal recessive limb-girdle muscular dystrophy type 2Q; Epidermolysis bullosa simplex, Ogna type; Epidermolysis bullosa simplex with nail dystrophy; Epidermolysis bullosa simplex 5C, with pyloric atresia; Epidermolysis bullosa simplex 5B, with muscular dystrophy. Last evaluated: 2024-07-12. Review status: criteria provided, single submitter. Criteria: Invitae Variant Classification Sherloc (09022015). Collection method: clinical testing. Allele origin: germline.
Comment: This sequence change replaces arginine, which is basic and polar, with cysteine, which is neutral and slightly polar, at codon 541 of the PLEC protein (p.Arg541Cys). This variant is present in population databases (rs370458177, gnomAD 0.05%). This variant has not been reported in the literature in individuals affected with PLEC-related conditions. ClinVar contains an entry for this variant (Variation ID: 500917). Experimental studies and prediction algorithms are not available or were not evaluated, and the functional significance of this variant is currently unknown. In summary, the available evidence is currently insufficient to determine the role of this variant in disease. Therefore, it has been classified as a Variant of Uncertain Significance.

Revvity Omics, Revvity
Classification: Uncertain significance. Last evaluated: 2023-12-06. Review status: criteria provided, single submitter. Criteria: ACMG Guidelines, 2015. Collection method: clinical testing. Allele origin: germline.

Eurofins Ntd Llc (ga)
Classification: Uncertain significance. Last evaluated: 2017-03-20. Review status: criteria provided, single submitter. Criteria: EGL Classification Definitions 2015. Collection method: clinical testing. Allele origin: germline. Observed: 1 variant allele, 1 heterozygote.

NM_201384.3(PLEC):c.1540C>T (p.Arg514Cys)

Gene: PLEC (plectin; minus strand). Cytogenetic location: 8q24.3.
Variant type: single nucleotide variant.
Coding change: c.1540C>T on transcript NM_201384.3 (MANE Select); coding-DNA position 1540, C replaced by T.
Protein change: p.Arg514Cys; replaces arginine 514 with cysteine.
Molecular consequence: missense variant.
Genome position (GRCh38, 1-based): chr8:143,932,990, G>A on the plus strand (C>T on the coding strand, the complement: PLEC is on the minus strand). VCF-style: chr8-143932990-G-A. GRCh37 (hg19) VCF-style: chr8-145007158-G-A.
Other names: c.1621C>T, p.Arg541Cys (NM_000445.5); c.1498C>T, p.Arg500Cys (NM_201378.4); c.1474C>T, p.Arg492Cys (NM_201379.3); c.1951C>T, p.Arg651Cys (NM_201380.4); c.1444C>T, p.Arg482Cys (NM_201381.3); c.1540C>T, p.Arg514Cys (NM_201382.4); c.1552C>T, p.Arg518Cys (NM_201383.3); short protein forms R482C, R492C, R500C, R514C, R518C, R541C, R651C.
Identifiers: ClinVar variation 500917 (VCV000500917.9), dbSNP rs370458177, ClinGen allele CA4927932.